The following is an entry in ClinVar:

ClinVar aggregate classification (germline): Uncertain significance (1 of 4 stars; one submission).

Conditions:
STAT6-related condition.

gnomAD v4.1: 72 of 1,600,454 alleles (0.0045%); highest among the groups gnomAD compares: Middle Eastern, 0.15%; no homozygotes.

Submission:

PreventionGenetics, part of Exact Sciences
Classification: Uncertain significance for STAT6-related condition. Last evaluated: 2026-01-30. Review status: criteria provided, single submitter. Criteria: ACMG Guidelines, 2015. Collection method: clinical testing. Allele origin: germline.
Comment: The STAT6 c.1216C>G variant is predicted to result in the amino acid substitution p.Leu406Val. To our knowledge, this variant has not been reported in the literature. This variant is reported in 0.0088% of alleles in individuals of European (Non-Finnish) descent in gnomAD. At this time, the clinical significance of this variant is uncertain due to the absence of conclusive functional and genetic evidence.

NM_003153.5(STAT6):c.1216C>G (p.Leu406Val)

Gene: STAT6 (signal transducer and activator of transcription 6; minus strand). Cytogenetic location: 12q13.3.
Variant type: single nucleotide variant.
Coding change: c.1216C>G on transcript NM_003153.5 (MANE Select); coding-DNA position 1216, C replaced by G.
Protein change: p.Leu406Val; replaces leucine 406 with valine.
Molecular consequence: missense variant. On other transcripts: non-coding transcript variant (1).
Genome position (GRCh38, 1-based): chr12:57,102,918, G>C on the plus strand (C>G on the coding strand, the complement: STAT6 is on the minus strand). VCF-style: chr12-57102918-G-C. GRCh37 (hg19) VCF-style: chr12-57496701-G-C.
Other names: c.1216C>G, p.Leu406Val (NM_001178078.2, NM_001178079.2); c.886C>G, p.Leu296Val (NM_001178080.2, NM_001178081.2); short protein forms L296V, L406V.
Identifiers: ClinVar variation 4977190 (VCV004977190.1).